The following is an entry in ClinVar:

NM_006231.4(POLE):c.2576T>C (p.Leu859Pro)

Gene: POLE (DNA polymerase epsilon, catalytic subunit; minus strand). Cytogenetic location: 12q24.33.
Variant type: single nucleotide variant.
Coding change: c.2576T>C on transcript NM_006231.4 (MANE Select); coding-DNA position 2576, T replaced by C.
Protein change: p.Leu859Pro; replaces leucine 859 with proline.
Molecular consequence: missense variant.
Genome position (GRCh38, 1-based): chr12:132,664,134, A>G on the plus strand (T>C on the coding strand, the complement: POLE is on the minus strand). VCF-style: chr12-132664134-A-G. GRCh37 (hg19) VCF-style: chr12-133240720-A-G.
Other names: c.2576T>C (NM_006231.2); short protein forms L859P.
Identifiers: ClinVar variation 1057979 (VCV001057979.10), dbSNP rs2135957114, ClinGen allele CA387395889.

ClinVar aggregate classification (germline): Uncertain significance. Review status: criteria provided, multiple submitters, no conflicts (2 of 4 stars). 2 submissions from 2 submitters: Uncertain significance (2). Last evaluated 2023-05-15.

Conditions:
Hereditary cancer-predisposing syndrome. Also called: Neoplastic Syndromes, Hereditary; Hereditary Cancer Syndrome; Hereditary neoplastic syndrome; Tumor predisposition. Identifiers: Orphanet 140162, MedGen C0027672, MeSH D009386, MONDO:0015356.

Submissions (2):

Ambry Genetics
Classification: Uncertain significance for Hereditary cancer-predisposing syndrome. Last evaluated: 2023-05-15. Review status: criteria provided, single submitter. Criteria: Ambry Variant Classification Scheme 2023. Collection method: clinical testing. Allele origin: germline.
Comment: The p.L859P variant (also known as c.2576T>C), located in coding exon 23 of the POLE gene, results from a T to C substitution at nucleotide position 2576. The leucine at codon 859 is replaced by proline, an amino acid with similar properties. This amino acid position is conserved. In addition, this alteration is predicted to be deleterious by in silico analysis. Since supporting evidence is limited at this time, the clinical significance of this alteration remains unclear.

Labcorp Genetics (formerly Invitae), Labcorp
Classification: Uncertain significance. Last evaluated: 2020-12-21. Review status: criteria provided, single submitter. Criteria: Invitae Variant Classification Sherloc (09022015). Collection method: clinical testing. Allele origin: germline.
Comment: In summary, the available evidence is currently insufficient to determine the role of this variant in disease. Therefore, it has been classified as a Variant of Uncertain Significance. Algorithms developed to predict the effect of missense changes on protein structure and function (SIFT, PolyPhen-2, Align-GVGD) all suggest that this variant is likely to be disruptive, but these predictions have not been confirmed by published functional studies and their clinical significance is uncertain. This variant has not been reported in the literature in individuals with POLE-related conditions. This variant is not present in population databases (ExAC no frequency). This sequence change replaces leucine with proline at codon 859 of the POLE protein (p.Leu859Pro). The leucine residue is highly conserved and there is a moderate physicochemical difference between leucine and proline.